The following is an entry in ClinVar:

NM_001008537.3(NEXMIF):c.4528C>T (p.Arg1510Cys)

Gene: NEXMIF (neurite extension and migration factor; minus strand). Cytogenetic location: Xq13.3.
Variant type: single nucleotide variant.
Coding change: c.4528C>T on transcript NM_001008537.3 (MANE Select); coding-DNA position 4528, C replaced by T.
Protein change: p.Arg1510Cys; replaces arginine 1510 with cysteine.
Molecular consequence: missense variant.
Genome position (GRCh38, 1-based): chrX:74,739,428, G>A on the plus strand (C>T on the coding strand, the complement: NEXMIF is on the minus strand). VCF-style: chrX-74739428-G-A. GRCh37 (hg19) VCF-style: chrX-73959263-G-A.
Other names: short protein forms R1510C.
Identifiers: ClinVar variation 4085048 (VCV004085048.8).
Genomic context (GRCh38, chrX:74,739,428, plus strand): 5'-CCACAAGGCATATTTTGAAAGAAATAAAACACAAACATCAAATGTCTTTCTGGAAAATGC[G>A]AGTCTCTTCTTCAAACACAGGTAAAACCCAAAAGGTTGTTTCTGCTTTTAGGAGATTGTA-3'
Protein context (NP_001008537.1, residues 1500-1516): WVLPVFEEET[Arg1510Cys]IFQKDI

ClinVar aggregate classification (germline): Likely benign (1 of 4 stars; one submission).

gnomAD v4.1: 13 of 1,197,554 alleles (0.0011%); highest among the groups gnomAD compares: Non-Finnish European, 0.0013%; no homozygotes.

Submission:

CeGaT Center for Human Genetics Tuebingen
Classification: Likely benign. Last evaluated: 2025-07-01. Review status: criteria provided, single submitter. Criteria: CeGaT Center For Human Genetics Tuebingen Variant Classification Criteria Version 2. Collection method: clinical testing. Allele origin: germline. Affected: yes. Observed: 1 variant allele.
Comment: NEXMIF: BP4, BS2